The following is an entry in ClinVar:

ClinVar aggregate classification (germline): Likely benign. Review status: criteria provided, multiple submitters, no conflicts (2 of 4 stars). 5 submissions from 5 submitters: Likely benign (5). Last evaluated 2026-06-01.

Conditions:
Mullerian aplasia and hyperandrogenism. Also called: MULLERIAN DUCT FAILURE AND HYPERANDROGENISM. Identifiers: Orphanet 247768, MedGen C2675014, MONDO:0008019, OMIM 158330.
SERKAL syndrome (SERKAL). Also called: 46,XX SEX REVERSAL WITH DYSGENESIS OF KIDNEYS, ADRENALS, AND LUNGS. Identifiers: Orphanet 139466, MedGen C2678492, MONDO:0012734, OMIM 611812.

Allele frequency attached by ClinVar (database versions not stated): ESP Exome Variant Server 0.00008; 1000 Genomes Project 30x 0.00016; 1000 Genomes Project 0.00020; ExAC 0.00029; gnomAD exomes 0.00039; TOPMed 0.00047; gnomAD 0.00050.
gnomAD v4.1: 404 of 1,613,876 alleles (0.025%); highest among the groups gnomAD compares: Admixed American, 0.19%; no homozygotes.

Submissions (5):

CeGaT Center for Human Genetics Tuebingen
Classification: Likely benign. Last evaluated: 2026-06-01. Review status: criteria provided, single submitter. Criteria: CeGaT Center For Human Genetics Tuebingen Variant Classification Criteria Version 2. Collection method: clinical testing. Allele origin: germline. Affected: yes. Observed: 1 variant allele.
Comment: WNT4: BP4, BP7

Labcorp Genetics (formerly Invitae), Labcorp
Classification: Likely benign. Last evaluated: 2025-12-15. Review status: criteria provided, single submitter. Criteria: Invitae Variant Classification Sherloc (09022015). Collection method: clinical testing. Allele origin: germline.

Blueprint Genetics
Classification: Likely benign. Last evaluated: 2024-10-15. Review status: criteria provided, single submitter. Criteria: ACMG Guidelines, 2015. Collection method: clinical testing. Allele origin: germline.

Fulgent Genetics
Classification: Likely benign for Mullerian aplasia and hyperandrogenism; SERKAL syndrome. Last evaluated: 2022-01-18. Review status: criteria provided, single submitter. Criteria: ACMG Guidelines, 2015. Collection method: clinical testing. Allele origin: unknown.

Breakthrough Genomics
Classification: Likely benign. Review status: criteria provided, single submitter. Criteria: ACMG Guidelines, 2015. Collection method: not provided. Allele origin: germline. Inheritance: Autosomal recessive inheritance. Affected: yes.

NM_030761.5(WNT4):c.96G>A (p.Ser32=)

Gene: WNT4 (Wnt family member 4; minus strand). Cytogenetic location: 1p36.12.
Variant type: single nucleotide variant.
Coding change: c.96G>A on transcript NM_030761.5 (MANE Select); coding-DNA position 96, G replaced by A.
Protein change: p.Ser32=; no amino-acid change (serine 32 retained).
Molecular consequence: synonymous variant.
Genome position (GRCh38, 1-based): chr1:22,129,833, C>T on the plus strand (G>A on the coding strand, the complement: WNT4 is on the minus strand). VCF-style: chr1-22129833-C-T. GRCh37 (hg19) VCF-style: chr1-22456326-C-T.
Identifiers: ClinVar variation 767291 (VCV000767291.13), dbSNP rs144407094, ClinGen allele CA675518.
Genomic context (GRCh38, chr1:22,129,833, plus strand): 5'-CCTCTGGATCAGGCCCTTGAGTTTCTCGCACGTCTCCTCCTCTGAGATGCTCCCCACCGA[C>T]GACAGCTTGGCCAGGTACCTGGGGAGAGGGTGACACGTGATGCAGAGCCCACCTCCTCAT-3'
Protein context (NP_110388.2, residues 22-42): ASNWLYLAKL[Ser32=]SVGSISEEET